The following is an entry in ClinVar:

NM_001089.3(ABCA3):c.3278+1G>C

Gene: ABCA3 (ATP binding cassette subfamily A member 3; minus strand). Cytogenetic location: 16p13.3.
Variant type: single nucleotide variant.
Coding change: c.3278+1G>C on transcript NM_001089.3 (MANE Select); the canonical splice donor site of the intron after coding-DNA position 3278, G replaced by C.
Molecular consequence: splice donor variant.
Genome position (GRCh38, 1-based): chr16:2,286,693, C>G on the plus strand (G>C on the coding strand, the complement: ABCA3 is on the minus strand). VCF-style: chr16-2286693-C-G. GRCh37 (hg19) VCF-style: chr16-2336694-C-G.
Identifiers: ClinVar variation 4733908 (VCV004733908.1).
Genomic context (GRCh38, chr16:2,286,693, plus strand): 5'-CCCAGGGCAGTCAGTCCTGGGGGCTCTGGCCAGGGCAGACAGGGACGGGCAGTGCACATA[C>G]TCGTTAAACTGGTCCTTGGCAGCCTGCAGGGCGCTCCGGGGCTGGGGGAAGTTGGAGACC-3'

ClinVar aggregate classification (germline): Likely pathogenic (1 of 4 stars; one submission).

gnomAD v4.1: 1 of 1,613,032 alleles (0.000062%); highest among the groups gnomAD compares: Non-Finnish European, 0.000085%; no homozygotes.

Submission:

Labcorp Genetics (formerly Invitae), Labcorp
Classification: Likely pathogenic. Last evaluated: 2025-12-29. Review status: criteria provided, single submitter. Criteria: Invitae Variant Classification Sherloc (09022015). Collection method: clinical testing. Allele origin: germline.
Comment: This sequence change affects a donor splice site in intron 22 of the ABCA3 gene. It is expected to disrupt RNA splicing. Variants that disrupt the donor or acceptor splice site typically lead to a loss of protein function (PMID: 16199547), and loss-of-function variants in ABCA3 are known to be pathogenic (PMID: 27516224). This variant is not present in population databases (gnomAD no frequency). This variant has not been reported in the literature in individuals affected with ABCA3-related conditions. Algorithms developed to predict the effect of sequence changes on RNA splicing suggest that this variant may disrupt the consensus splice site. In summary, the currently available evidence indicates that the variant is pathogenic, but additional data are needed to prove that conclusively. Therefore, this variant has been classified as Likely Pathogenic.

Literature cited by the submitters: PubMed 16199547; PubMed 27516224.